The following is an entry in ClinVar:

ClinVar aggregate classification (germline): Uncertain significance. Review status: criteria provided, multiple submitters, no conflicts (2 of 4 stars). 2 submissions from 2 submitters: Uncertain significance (2). Last evaluated 2025-05-01.

Submissions (2):

CeGaT Center for Human Genetics Tuebingen
Classification: Uncertain significance. Last evaluated: 2025-05-01. Review status: criteria provided, single submitter. Criteria: CeGaT Center For Human Genetics Tuebingen Variant Classification Criteria Version 2. Collection method: clinical testing. Allele origin: germline. Affected: yes. Observed: 1 variant allele.
Comment: MYO6: PM2, PP3, PS4:Supporting

Labcorp Genetics (formerly Invitae), Labcorp
Classification: Uncertain significance. Last evaluated: 2024-05-25. Review status: criteria provided, single submitter. Criteria: Invitae Variant Classification Sherloc (09022015). Collection method: clinical testing. Allele origin: germline.
Comment: This sequence change falls in intron 31 of the MYO6 gene. It does not directly change the encoded amino acid sequence of the MYO6 protein. It affects a nucleotide within the consensus splice site. This variant is present in population databases (rs764683266, gnomAD 0.0009%). This variant has been observed in individual(s) with deafness (Invitae). Variants that disrupt the consensus splice site are a relatively common cause of aberrant splicing (PMID: 17576681, 9536098). Algorithms developed to predict the effect of sequence changes on RNA splicing suggest that this variant may disrupt the consensus splice site. In summary, the available evidence is currently insufficient to determine the role of this variant in disease. Therefore, it has been classified as a Variant of Uncertain Significance.

Literature cited by the submitters: PubMed 17576681 (cited by Labcorp Genetics (formerly Invitae), Labcorp); PubMed 9536098 (cited by Labcorp Genetics (formerly Invitae), Labcorp).

NM_004999.4(MYO6):c.3280+3_3280+6del

Gene: MYO6 (myosin VI; plus strand). Cytogenetic location: 6q14.1.
Variant type: Deletion.
Coding change: c.3280+3_3280+6del on transcript NM_004999.4 (MANE Select); bases 3 to 6 of the intron after coding-DNA position 3280, 4 bases deleted (AAGT; older notation c.3280+3_3280+6delAAGT).
Molecular consequence: splice donor variant.
Genome position (GRCh38, 1-based): chr6:75,907,711-75,907,714, AAGT deleted; deleting any 4 consecutive bases within chr6:75,907,709-75,907,714 gives the same sequence; the c. name uses the placement nearest the transcript's 3' end. VCF-style (leftmost placement, unchanged base first): chr6-75907708-GGTAA-G. GRCh37 (hg19) VCF-style: chr6-76617425-GGTAA-G.
Other names: c.3307+3_3307+6del (NM_001368865.1, NM_001368866.1); c.3268+3_3268+6del (NM_001368137.1); c.3211+3_3211+6del (NM_001300899.2, NM_001368136.1); c.3196+3_3196+6del (NM_001368138.1).
Identifiers: ClinVar variation 2981895 (VCV002981895.13), dbSNP rs764683266, ClinGen allele CA3897646.
Genomic context (GRCh38, chr6:75,907,708, plus strand): 5'-AAATATGATCTTAGTAAATGGAAATATGCAGAACTACGTGATACCATCAATACTTCTTGT[GGTAA>G]GTGTTTGGAGAAGATCAAAAATAGAAAATGTTCATAGTGATAGGTGATAAATACCTAGAT-3'